The following is an entry in ClinVar:

ClinVar aggregate classification (germline): Uncertain significance. Review status: criteria provided, multiple submitters, no conflicts (2 of 4 stars). 2 submissions from 2 submitters: Uncertain significance (2). Last evaluated 2025-11-03.

Conditions:
Hereditary cancer-predisposing syndrome. Also called: Hereditary Cancer Syndrome; Hereditary neoplastic syndrome; Neoplastic Syndromes, Hereditary; Tumor predisposition. Identifiers: Orphanet 140162, MedGen C0027672, MeSH D009386, MONDO:0015356.

Submissions (2):

Labcorp Genetics (formerly Invitae), Labcorp
Classification: Uncertain significance for Hereditary cancer-predisposing syndrome. Last evaluated: 2025-11-03. Review status: criteria provided, single submitter. Criteria: Invitae Variant Classification Sherloc (09022015). Collection method: clinical testing. Allele origin: germline.
Comment: This sequence change replaces histidine, which is basic and polar, with aspartic acid, which is acidic and polar, at codon 158 of the RAD50 protein (p.His158Asp). This variant is not present in population databases (gnomAD no frequency). This variant has not been reported in the literature in individuals affected with RAD50-related conditions. ClinVar contains an entry for this variant (Variation ID: 1742705). Invitae Evidence Modeling of protein sequence and biophysical properties (such as structural, functional, and spatial information, amino acid conservation, physicochemical variation, residue mobility, and thermodynamic stability) indicates that this missense variant is expected to disrupt RAD50 protein function with a positive predictive value of 80%. In summary, the available evidence is currently insufficient to determine the role of this variant in disease. Therefore, it has been classified as a Variant of Uncertain Significance.

Ambry Genetics
Classification: Uncertain significance for Hereditary cancer-predisposing syndrome. Last evaluated: 2021-08-08. Review status: criteria provided, single submitter. Criteria: Ambry Variant Classification Scheme 2023. Collection method: clinical testing. Allele origin: germline.
Comment: The p.H158D variant (also known as c.472C>G), located in coding exon 4 of the RAD50 gene, results from a C to G substitution at nucleotide position 472. The histidine at codon 158 is replaced by aspartic acid, an amino acid with similar properties. This amino acid position is conserved. In addition, this alteration is predicted to be deleterious by in silico analysis. Since supporting evidence is limited at this time, the clinical significance of this alteration remains unclear.

NM_005732.4(RAD50):c.472C>G (p.His158Asp)

Gene: RAD50 (RAD50 double strand break repair protein; plus strand). Cytogenetic location: 5q31.1.
Variant type: single nucleotide variant.
Coding change: c.472C>G on transcript NM_005732.4 (MANE Select); coding-DNA position 472, C replaced by G.
Protein change: p.His158Asp; replaces histidine 158 with aspartic acid.
Molecular consequence: missense variant.
Genome position (GRCh38, 1-based): chr5:132,579,423, C>G. VCF-style: chr5-132579423-C-G. GRCh37 (hg19) VCF-style: chr5-131915115-C-G.
Other names: short protein forms H158D.
Identifiers: ClinVar variation 1742705 (VCV001742705.3), dbSNP rs1060501980, ClinGen allele CA360934412.